The following is an entry in ClinVar:

NM_004046.6(ATP5F1A):c.242T>C (p.Ile81Thr)

Gene: ATP5F1A (ATP synthase F1 subunit alpha; minus strand). Cytogenetic location: 18q21.1.
Variant type: single nucleotide variant.
Coding change: c.242T>C on transcript NM_004046.6 (MANE Select); coding-DNA position 242, T replaced by C.
Protein change: p.Ile81Thr; replaces isoleucine 81 with threonine.
Molecular consequence: missense variant.
Genome position (GRCh38, 1-based): chr18:46,091,749, A>G on the plus strand (T>C on the coding strand, the complement: ATP5F1A is on the minus strand). VCF-style: chr18-46091749-A-G. GRCh37 (hg19) VCF-style: chr18-43671715-A-G.
Other names: c.92T>C, p.Ile31Thr (NM_001001935.3, NM_001257335.2); c.242T>C, p.Ile81Thr (NM_001001937.2, NM_001257334.2); short protein forms I31T, I81T.
Identifiers: ClinVar variation 4777006 (VCV004777006.1).
Genomic context (GRCh38, chr18:46,091,749, plus strand): 5'-CCTGAAGAAAACTCTACCATTTCTTCTGCTTGAACATTCCTCAGCCCATGTACGCGGGCA[A>G]TACCATCACCAATACTTAAGACACGCCCAGTTTCTTCAAGATCAACAGAGGTATCAGCTC-3'
Protein context (NP_004037.1, residues 71-91): TGRVLSIGDG[Ile81Thr]ARVHGLRNVQ

ClinVar aggregate classification (germline): Uncertain significance (1 of 4 stars; one submission).

Submission:

Labcorp Genetics (formerly Invitae), Labcorp
Classification: Uncertain significance. Last evaluated: 2025-12-23. Review status: criteria provided, single submitter. Criteria: Invitae Variant Classification Sherloc (09022015). Collection method: clinical testing. Allele origin: germline.
Comment: This sequence change replaces isoleucine, which is neutral and non-polar, with threonine, which is neutral and polar, at codon 81 of the ATP5A1 protein (p.Ile81Thr). This variant is not present in population databases (gnomAD no frequency). This variant has not been reported in the literature in individuals affected with ATP5A1-related conditions. Invitae Evidence Modeling of protein sequence and biophysical properties (such as structural, functional, and spatial information, amino acid conservation, physicochemical variation, residue mobility, and thermodynamic stability) indicates that this missense variant is not expected to disrupt ATP5A1 protein function with a negative predictive value of 80%. In summary, the available evidence is currently insufficient to determine the role of this variant in disease. Therefore, it has been classified as a Variant of Uncertain Significance.